The following is an entry in ClinVar:

ClinVar aggregate classification (germline): Uncertain significance. Review status: criteria provided, multiple submitters, no conflicts (2 of 4 stars). 3 submissions from 3 submitters: Uncertain significance (3). Last evaluated 2023-06-12.

Conditions:
Asphyxiating thoracic dystrophy 2 (SRTD2). Also called: SHORT-RIB THORACIC DYSPLASIA 2 WITH POLYDACTYLY; SHORT-RIB THORACIC DYSPLASIA 2 WITHOUT POLYDACTYLY; SHORT-RIB THORACIC DYSPLASIA 2 WITH OR WITHOUT POLYDACTYLY. Identifiers: Orphanet 474, MedGen C1970005, MONDO:0012644, OMIM 611263.
Jeune thoracic dystrophy. Also called: Jeune syndrome; Infantile thoracic dystrophy; Thoracic pelvic phalangeal dystrophy; Jeune's syndrome; Chondroectodermal dysplasia-like syndrome; Short-rib thoracic dysplasia. Identifiers: Orphanet 474, MedGen C0265275, MONDO:0018770.

Allele frequency attached by ClinVar (database versions not stated): ExAC 0.00002; gnomAD 0.00002; gnomAD exomes 0.00002 and 0.00004; TOPMed 0.00003.
gnomAD v4.1: 60 of 1,598,236 alleles (0.0038%); highest among the groups gnomAD compares: Non-Finnish European, 0.0048%; no homozygotes.

Submissions (3):

Mayo Clinic Laboratories, Mayo Clinic
Classification: Uncertain significance. Last evaluated: 2023-06-12. Review status: criteria provided, single submitter. Criteria: ACMG Guidelines, 2015. Collection method: clinical testing. Allele origin: germline. Observed: 1 variant allele.
Comment: BP4

Labcorp Genetics (formerly Invitae), Labcorp
Classification: Uncertain significance for Jeune thoracic dystrophy. Last evaluated: 2022-07-18. Review status: criteria provided, single submitter. Criteria: Invitae Variant Classification Sherloc (09022015). Collection method: clinical testing. Allele origin: germline.
Comment: This sequence change replaces valine, which is neutral and non-polar, with alanine, which is neutral and non-polar, at codon 124 of the IFT80 protein (p.Val124Ala). The frequency data for this variant in the population databases is considered unreliable, as metrics indicate poor data quality at this position in the gnomAD database. This variant has not been reported in the literature in individuals affected with IFT80-related conditions. ClinVar contains an entry for this variant (Variation ID: 903009). Algorithms developed to predict the effect of missense changes on protein structure and function (SIFT, PolyPhen-2, Align-GVGD) all suggest that this variant is likely to be tolerated. In summary, the available evidence is currently insufficient to determine the role of this variant in disease. Therefore, it has been classified as a Variant of Uncertain Significance.

Illumina Laboratory Services, Illumina
Classification: Uncertain significance for Asphyxiating thoracic dystrophy 2. Last evaluated: 2018-01-13. Review status: criteria provided, single submitter. Criteria: ICSL Variant Classification Criteria 13 December 2019. Collection method: clinical testing. Allele origin: germline.

NM_020800.3(IFT80):c.371T>C (p.Val124Ala)

Genes: IFT80 (intraflagellar transport 80; minus strand), TRIM59-IFT80 (TRIM59-IFT80 readthrough (NMD candidate); minus strand). Cytogenetic location: 3q25.33.
Variant type: single nucleotide variant.
Coding change: c.371T>C on transcript NM_020800.3 (MANE Select); coding-DNA position 371, T replaced by C.
Protein change: p.Val124Ala; replaces valine 124 with alanine.
Molecular consequence: missense variant. On other transcripts: non-coding transcript variant (2), 5 prime UTR variant (2).
Genome position (GRCh38, 1-based): chr3:160,375,880, A>G on the plus strand (T>C on the coding strand, the complement: IFT80 is on the minus strand). VCF-style: chr3-160375880-A-G. GRCh37 (hg19) VCF-style: chr3-160093668-A-G.
Other names: p.Val124Ala; c.-41T>C (NM_001190241.2, NM_001190242.2); short protein forms V124A.
Identifiers: ClinVar variation 903009 (VCV000903009.11), dbSNP rs775678547, ClinGen allele CA2685504.